The following is an entry in ClinVar:

NM_001184.4(ATR):c.2898C>T (p.His966=)

Gene: ATR (ATR checkpoint kinase; minus strand). Cytogenetic location: 3q23.
Variant type: single nucleotide variant.
Coding change: c.2898C>T on transcript NM_001184.4 (MANE Select); coding-DNA position 2898, C replaced by T.
Protein change: p.His966=; no amino-acid change (histidine 966 retained).
Molecular consequence: synonymous variant.
Genome position (GRCh38, 1-based): chr3:142,550,210, G>A on the plus strand (C>T on the coding strand, the complement: ATR is on the minus strand). VCF-style: chr3-142550210-G-A. GRCh37 (hg19) VCF-style: chr3-142269052-G-A.
Other names: c.2706C>T, p.His902= (NM_001354579.2).
Identifiers: ClinVar variation 3221106 (VCV003221106.18), dbSNP rs2473366925, ClinGen allele CA436125637.

ClinVar aggregate classification (germline): Likely benign. Review status: criteria provided, multiple submitters, no conflicts (2 of 4 stars). 2 submissions from 2 submitters: Likely benign (2). Last evaluated 2024-07-01.

Conditions:
Inborn genetic diseases. Identifiers: MedGen C0950123, MeSH D030342.

Submissions (2):

CeGaT Center for Human Genetics Tuebingen
Classification: Likely benign. Last evaluated: 2024-07-01. Review status: criteria provided, single submitter. Criteria: CeGaT Center For Human Genetics Tuebingen Variant Classification Criteria Version 2. Collection method: clinical testing. Allele origin: germline. Affected: yes. Observed: 1 variant allele.
Comment: ATR: PM2:Supporting, BP4, BP7

Ambry Genetics
Classification: Likely benign for Inborn genetic diseases. Last evaluated: 2022-11-06. Review status: criteria provided, single submitter. Criteria: Ambry Variant Classification Scheme 2023. Collection method: clinical testing. Allele origin: germline.